The following is an entry in ClinVar:

ClinVar aggregate classification (germline): Uncertain significance (1 of 4 stars; one submission).

Allele frequency attached by ClinVar (database versions not stated): gnomAD exomes below 0.00001.
gnomAD v4.1: 3 of 1,613,038 alleles (0.00019%); highest among the groups gnomAD compares: Non-Finnish European, 0.00025%; no homozygotes.

Submission:

GeneDx
Classification: Uncertain significance. Last evaluated: 2023-02-07. Review status: criteria provided, single submitter. Criteria: GeneDx Variant Classification Process June 2021. Collection method: clinical testing. Allele origin: germline. Affected: yes.
Comment: Not observed at significant frequency in large population cohorts (gnomAD); In silico analysis supports that this missense variant does not alter protein structure/function; Has not been previously published as pathogenic or benign to our knowledge

NM_000352.6(ABCC8):c.2941G>A (p.Glu981Lys)

Gene: ABCC8 (ATP binding cassette subfamily C member 8; minus strand). Cytogenetic location: 11p15.1.
Variant type: single nucleotide variant.
Coding change: c.2941G>A on transcript NM_000352.6 (MANE Select); coding-DNA position 2941, G replaced by A.
Protein change: p.Glu981Lys; replaces glutamic acid 981 with lysine.
Molecular consequence: missense variant. On other transcripts: non-coding transcript variant (1).
Genome position (GRCh38, 1-based): chr11:17,407,109, C>T on the plus strand (G>A on the coding strand, the complement: ABCC8 is on the minus strand). VCF-style: chr11-17407109-C-T. GRCh37 (hg19) VCF-style: chr11-17428656-C-T.
Other names: c.2944G>A, p.Glu982Lys (NM_001287174.3); c.3007G>A, p.Glu1003Lys (NM_001351295.2); c.2941G>A, p.Glu981Lys (NM_001351296.2); c.2938G>A, p.Glu980Lys (NM_001351297.2); short protein forms E1003K, E980K, E981K, E982K.
Identifiers: ClinVar variation 2575863 (VCV002575863.1), dbSNP rs2496532386, ClinGen allele CA379804310.
Genomic context (GRCh38, chr11:17,407,109, plus strand): 5'-CGCAGGCTCGCCATGGGATCTCAGCACGCTGGTGCAGCATGGACGACAGGTTGTCATCCT[C>T]CTCGCTCTCAGCTGCCTCCTCTGCAGGCCGCAAGAACCCACTCTGTGGCTACACATTTCC-3'
Protein context (NP_000343.2, residues 971-991): EEEEEAAESE[Glu981Lys]DDNLSSMLHQ